The following is an entry in ClinVar:

ClinVar aggregate classification (germline): Uncertain significance (1 of 4 stars; one submission).

gnomAD v4.1: 1 of 1,612,618 alleles (0.000062%); highest among the groups gnomAD compares: Middle Eastern, 0.017%; no homozygotes.

Submission:

GeneDx
Classification: Uncertain significance. Last evaluated: 2023-07-12. Review status: criteria provided, single submitter. Criteria: GeneDx Variant Classification Process June 2021. Collection method: clinical testing. Allele origin: germline. Affected: yes.
Comment: Has not been previously published as pathogenic or benign to our knowledge; Not observed at significant frequency in large population cohorts (gnomAD); In silico analysis supports that this missense variant has a deleterious effect on protein structure/function

NM_182548.4(LHFPL5):c.413C>T (p.Ala138Val)

Gene: LHFPL5 (LHFPL tetraspan subfamily member 5; plus strand). Cytogenetic location: 6p21.31.
Variant type: single nucleotide variant.
Coding change: c.413C>T on transcript NM_182548.4 (MANE Select); coding-DNA position 413, C replaced by T.
Protein change: p.Ala138Val; replaces alanine 138 with valine.
Molecular consequence: missense variant.
Genome position (GRCh38, 1-based): chr6:35,814,546, C>T. VCF-style: chr6-35814546-C-T. GRCh37 (hg19) VCF-style: chr6-35782323-C-T.
Other names: short protein forms A138V.
Identifiers: ClinVar variation 3360729 (VCV003360729.1).
Genomic context (GRCh38, chr6:35,814,546, plus strand): 5'-GGAGGTAGCGGGCTAGGCACACTCGGCCTGATGCCATGTGCACCCCTCCTTCCCCCTCAG[C>T]CACAGGCCTAATGATTGGCTGCCTGGTCTACCCTGATGGTTGGGACTCAAGTGAGGTGCG-3'
Protein context (NP_872354.1, residues 128-148): KICAWMQLAA[Ala138Val]TGLMIGCLVY